The following is an entry in ClinVar:

ClinVar aggregate classification (germline): Uncertain significance (1 of 4 stars; one submission).

Conditions:
POMC-related disorder. Also called: POMC-related condition; POMC-related disorders.

gnomAD v4.1: 9 of 1,594,488 alleles (0.00056%); highest among the groups gnomAD compares: Middle Eastern, 0.017%; no homozygotes.

Submission:

PreventionGenetics, part of Exact Sciences
Classification: Uncertain significance for POMC-related condition. Last evaluated: 2025-07-23. Review status: criteria provided, single submitter. Criteria: ACMG Guidelines, 2015. Collection method: clinical testing. Allele origin: germline.
Comment: The POMC c.146C>T variant is predicted to result in the amino acid substitution p.Ala49Val. This variant was observed in a cohort of individuals with obesity, and in vitro functional studies showed this variant did not reduce protein function and could cause increased function (Supplemental Data Set 3, Shah et al. 2023. PubMed ID: 36864747). This variant is reported in 0.0011% of alleles in individuals of European (Non-Finnish) descent in gnomAD. At this time, the clinical significance of this variant is uncertain due to the absence of conclusive functional and genetic evidence.

NM_000939.4(POMC):c.146C>T (p.Ala49Val)

Genes: POMC (proopiomelanocortin; minus strand), LOC129933280 (ATAC-STARR-seq lymphoblastoid silent region 11244; plus strand). Cytogenetic location: 2p23.3.
Variant type: single nucleotide variant.
Coding change: c.146C>T on transcript NM_000939.4 (MANE Select); coding-DNA position 146, C replaced by T.
Protein change: p.Ala49Val; replaces alanine 49 with valine.
Molecular consequence: missense variant.
Genome position (GRCh38, 1-based): chr2:25,161,739, G>A on the plus strand (C>T on the coding strand, the complement: POMC is on the minus strand). VCF-style: chr2-25161739-G-A. GRCh37 (hg19) VCF-style: chr2-25384608-G-A.
Other names: c.146C>T, p.Ala49Val (NM_001035256.3, NM_001319204.2, NM_001319205.2); short protein forms A49V.
Identifiers: ClinVar variation 4979441 (VCV004979441.1).
Genomic context (GRCh38, chr2:25,161,739, plus strand): 5'-GGCTGCTCGTCGCCATTTCCCGGGAACATGGGAGTCTCGGCCGAGAGGTCGGGCTTGCAG[G>A]CCCGGATGCACTCCTGGGGGAAGACGCGAGGGCATGAGGGCAGCCCGTGCCCCGCACCCC-3'
Protein context (NP_000930.1, residues 39-59): TESNLLECIR[Ala49Val]CKPDLSAETP